The following is an entry in ClinVar:

NM_000018.4(ACADVL):c.1113del (p.Ile373fs)

Gene: ACADVL (acyl-CoA dehydrogenase very long chain; plus strand). Cytogenetic location: 17p13.1.
Variant type: Deletion.
Coding change: c.1113del on transcript NM_000018.4 (MANE Select); coding-DNA position 1113, one base deleted (G; older notation c.1113delG).
Protein change: p.Ile373fs; shifts the reading frame from isoleucine 373.
Molecular consequence: frameshift variant.
Genome position (GRCh38, 1-based): chr17:7,223,168, G deleted. VCF-style (leftmost placement, unchanged base first): chr17-7223167-AG-A. GRCh37 (hg19) VCF-style: chr17-7126486-AG-A.
Other names: c.1047del, p.Ile351fs (NM_001033859.3); c.1182del, p.Ile396fs (NM_001270447.2); c.885del, p.Ile297fs (NM_001270448.2); short protein forms I396fs, I297fs, I351fs, I373fs.
Identifiers: ClinVar variation 371620 (VCV000371620.9), dbSNP rs1057517416, ClinGen allele CA16041869.
Genomic context (GRCh38, chr17:7,223,167, plus strand): 5'-AGCGGGATGTGTGGACCCTCTTCCAGGTAGATCATGCCACTAATCGTACCCAGTTTGGGG[AG>A]AAAATTCACAACTTTGGGCTGATCCAGGAGAAGCTGGCACGGATGGTTATGCTGCAGTAT-3'

ClinVar aggregate classification (germline): Pathogenic/Likely pathogenic. Review status: criteria provided, multiple submitters, no conflicts (2 of 4 stars). 3 submissions from 3 submitters: Pathogenic (1); Likely pathogenic (1). 1 of the submissions does not count toward it. Last evaluated 2022-10-24.

Conditions:
Very long chain acyl-CoA dehydrogenase deficiency (ACADVLD). Also called: VLCAD Deficiency; Very Long-Chain Acyl-Coenzyme A Dehydrogenase Deficiency. Identifiers: Orphanet 26793, MedGen C3887523, MONDO:0008723, OMIM 201475.

Allele frequency attached by ClinVar (database versions not stated): gnomAD exomes below 0.00001.

Submissions (3):

Labcorp Genetics (formerly Invitae), Labcorp
Classification: Pathogenic for Very long chain acyl-CoA dehydrogenase deficiency. Last evaluated: 2022-10-24. Review status: criteria provided, single submitter. Criteria: Invitae Variant Classification Sherloc (09022015). Collection method: clinical testing. Allele origin: germline.
Comment: This variant is not present in population databases (gnomAD no frequency). For these reasons, this variant has been classified as Pathogenic. Algorithms developed to predict the effect of sequence changes on RNA splicing suggest that this variant may disrupt the consensus splice site. ClinVar contains an entry for this variant (Variation ID: 371620). This variant has not been reported in the literature in individuals affected with ACADVL-related conditions. This sequence change creates a premature translational stop signal (p.Ile373Phefs*6) in the ACADVL gene. It is expected to result in an absent or disrupted protein product. Loss-of-function variants in ACADVL are known to be pathogenic (PMID: 9973285, 11590124).

Women's Health and Genetics/Laboratory Corporation of America, LabCorp
Classification: Likely pathogenic for Very long chain acyl-CoA dehydrogenase deficiency. Last evaluated: 2022-03-31. Review status: criteria provided, single submitter. Criteria: LabCorp Variant Classification Summary - May 2015. Collection method: clinical testing. Allele origin: germline.
Comment: Variant summary: ACADVL c.1113delG (p.Ile373PhefsX6) results in a premature termination codon, predicted to cause a truncation of the encoded protein or absence of the protein due to nonsense mediated decay, which are commonly known mechanisms for disease. Truncations downstream of this position have been classified as pathogenic by our laboratory. The variant was absent in 251488 control chromosomes. To our knowledge, no occurrence of c.1113delG in individuals affected with Very Long Chain Acyl-CoA Dehydrogenase Deficiency and no experimental evidence demonstrating its impact on protein function have been reported. Two clinical diagnostic laboratories have submitted clinical-significance assessments for this variant to ClinVar after 2014 without evidence for independent evaluation. All laboratories classified the variant as pathogenic/likely pathogenic. Based on the evidence outlined above, the variant was classified as likely pathogenic.

Counsyl
Classification: Likely pathogenic for Very long chain acyl-CoA dehydrogenase deficiency. Last evaluated: 2016-11-01. Review status: no assertion criteria provided. Collection method: clinical testing. Allele origin: unknown. Not counted in ClinVar's aggregate classification.

Literature cited by the submitters: PubMed 9973285 (cited by Labcorp Genetics (formerly Invitae), Labcorp); PubMed 11590124 (cited by Labcorp Genetics (formerly Invitae), Labcorp).